The following is an entry in ClinVar:

ClinVar aggregate classification (germline): Pathogenic (1 of 4 stars; one submission).

Conditions:
Glycogen storage disease IXb (GSD9B). Also called: GLYCOGENOSIS OF LIVER AND MUSCLE, AUTOSOMAL RECESSIVE; GSD IXb; PHOSPHORYLASE KINASE DEFICIENCY OF LIVER AND MUSCLE, AUTOSOMAL RECESSIVE. Identifiers: Orphanet 79240, MedGen C0543514, MONDO:0009868, OMIM 261750.

Submission:

Labcorp Genetics (formerly Invitae), Labcorp
Classification: Pathogenic for Glycogen storage disease IXb. Last evaluated: 2023-12-01. Review status: criteria provided, single submitter. Criteria: Invitae Variant Classification Sherloc (09022015). Collection method: clinical testing. Allele origin: unknown.
Comment: This variant is a gross deletion of the genomic region encompassing exon(s) 2-10 of the PHKB gene. This deletion is out-of-frame, and is expected to create a premature termination codon and result in an absent or disrupted protein product. Loss-of-function variants in PHKB are known to be pathogenic (PMID: 9215682, 9326319). This variant has not been reported in the literature in individuals affected with PHKB-related conditions. For these reasons, this variant has been classified as Pathogenic.

Literature cited by the submitters: PubMed 9215682; PubMed 9326319.

NC_000016.9:g.(?_47531290)_(47623033_?)del

Gene: PHKB (phosphorylase kinase regulatory subunit beta; plus strand). Cytogenetic location: 16q12.1.
Variant type: Deletion.
Identifiers: ClinVar variation 3243384 (VCV003243384.1).